The following is an entry in ClinVar:

ClinVar aggregate classification (germline): Benign (1 of 4 stars; one submission).

Allele frequency attached by ClinVar (database versions not stated): 1000 Genomes Project 0.04812; gnomAD 0.05266; TOPMed 0.05320; 1000 Genomes Project 30x 0.05325.
gnomAD v4.1: 7,386 of 152,182 alleles (4.9%); highest among the groups gnomAD compares: African/African-American, 17%; 604 homozygotes.

Submission:

GeneDx
Classification: Benign. Last evaluated: 2018-06-19. Review status: criteria provided, single submitter. Criteria: GeneDx Variant Classification (06012015). Collection method: clinical testing. Allele origin: germline. Affected: yes.
Comment: This variant is considered likely benign or benign based on one or more of the following criteria: it is a conservative change, it occurs at a poorly conserved position in the protein, it is predicted to be benign by multiple in silico algorithms, and/or has population frequency not consistent with disease.

NM_001105206.3(LAMA4):c.5113-166G>A

Gene: LAMA4 (laminin subunit alpha 4; minus strand). Cytogenetic location: 6q21.
Variant type: single nucleotide variant.
Coding change: c.5113-166G>A on transcript NM_001105206.3 (MANE Select); 166 bases into the intron before coding-DNA position 5113, G replaced by A.
Molecular consequence: intron variant.
Genome position (GRCh38, 1-based): chr6:112,114,922, C>T on the plus strand (G>A on the coding strand, the complement: LAMA4 is on the minus strand). VCF-style: chr6-112114922-C-T. GRCh37 (hg19) VCF-style: chr6-112436125-C-T.
Other names: c.5092-166G>A (NM_002290.5, NM_001105207.3).
Identifiers: ClinVar variation 675367 (VCV000675367.1), dbSNP rs73541486, ClinGen allele CA144877666.